The following is an entry in ClinVar:

NM_001873.4(CPE):c.1197C>T (p.Asp399=)

Gene: CPE (carboxypeptidase E; plus strand). Cytogenetic location: 4q32.3.
Variant type: single nucleotide variant.
Coding change: c.1197C>T on transcript NM_001873.4 (MANE Select); coding-DNA position 1197, C replaced by T.
Protein change: p.Asp399=; no amino-acid change (aspartic acid 399 retained).
Molecular consequence: synonymous variant.
Genome position (GRCh38, 1-based): chr4:165,493,254, C>T. VCF-style: chr4-165493254-C-T. GRCh37 (hg19) VCF-style: chr4-166414406-C-T.
Identifiers: ClinVar variation 3358627 (VCV003358627.1).

ClinVar aggregate classification (germline): Likely benign (0 of 4 stars; one submission).

Conditions:
CPE-related disorder. Also called: CPE-related condition.

gnomAD v4.1: 4 of 1,613,536 alleles (0.00025%); highest among the groups gnomAD compares: African/African-American, 0.0053%; no homozygotes.

Submission:

PreventionGenetics, part of Exact Sciences
Classification: Likely benign for CPE-related condition. Last evaluated: 2022-08-07. Review status: no assertion criteria provided. Collection method: clinical testing. Allele origin: germline.
Comment: This variant is classified as likely benign based on ACMG/AMP sequence variant interpretation guidelines (Richards et al. 2015 PMID: 25741868, with internal and published modifications).